The following is an entry in ClinVar:

ClinVar aggregate classification (germline): Conflicting classifications of pathogenicity. Review status: criteria provided, conflicting classifications (1 of 4 stars). 4 submissions from 4 submitters: Uncertain significance (1); Likely benign (3). Last evaluated 2025-09-04.

Conditions:
Cardiovascular phenotype. Identifiers: MedGen CN230736.
Dilated cardiomyopathy 1G (CMD1G). Identifiers: Orphanet 154, MedGen C1858763, MONDO:0011400, OMIM 604145.
Autosomal recessive limb-girdle muscular dystrophy type 2J (LGMDR10). Also called: MUSCULAR DYSTROPHY, LIMB-GIRDLE, AUTOSOMAL RECESSIVE 10; Limb-girdle muscular dystrophy, type 2J. Identifiers: Orphanet 140922, MedGen C1837342, MONDO:0012127, OMIM 608807.

Allele frequency attached by ClinVar (database versions not stated): gnomAD exomes below 0.00001 and 0.00001; ExAC 0.00002; gnomAD 0.00003 and 0.00004; TOPMed 0.00004; ESP Exome Variant Server 0.00017.
gnomAD v4.1: 9 of 1,613,082 alleles (0.00056%); highest among the groups gnomAD compares: African/African-American, 0.0094%; no homozygotes.

Submissions (4):

Labcorp Genetics (formerly Invitae), Labcorp
Classification: Likely benign for Dilated cardiomyopathy 1G; Autosomal recessive limb-girdle muscular dystrophy type 2J. Last evaluated: 2025-09-04. Review status: criteria provided, single submitter. Criteria: Invitae Variant Classification Sherloc (09022015). Collection method: clinical testing. Allele origin: germline.

Ambry Genetics
Classification: Likely benign for Cardiovascular phenotype. Last evaluated: 2019-09-10. Review status: criteria provided, single submitter. Criteria: Ambry Variant Classification Scheme 2023. Collection method: clinical testing. Allele origin: germline.

GeneDx
Classification: Likely benign. Last evaluated: 2018-02-01. Review status: criteria provided, single submitter. Criteria: GeneDx Variant Classification (06012015). Collection method: clinical testing. Allele origin: germline. Affected: yes.
Comment: This variant is considered likely benign or benign based on one or more of the following criteria: it is a conservative change, it occurs at a poorly conserved position in the protein, it is predicted to be benign by multiple in silico algorithms, and/or has population frequency not consistent with disease.

Eurofins Ntd Llc (ga)
Classification: Uncertain significance. Last evaluated: 2017-08-17. Review status: criteria provided, single submitter. Criteria: EGL Classification Definitions 2015. Collection method: clinical testing. Allele origin: germline. Observed: 1 variant allele, 1 heterozygote.

NM_001267550.2(TTN):c.66288A>G (p.Glu22096=)

Genes: TTN (titin; minus strand), TTN-AS1 (TTN antisense RNA 1; plus strand). Cytogenetic location: 2q31.2.
Variant type: single nucleotide variant.
Coding change: c.66288A>G on transcript NM_001267550.2 (MANE Select); coding-DNA position 66288, A replaced by G.
Protein change: p.Glu22096=; no amino-acid change (glutamic acid 22096 retained).
Molecular consequence: synonymous variant.
Genome position (GRCh38, 1-based): chr2:178,582,081, T>C on the plus strand (A>G on the coding strand, the complement: TTN is on the minus strand). VCF-style: chr2-178582081-T-C. GRCh37 (hg19) VCF-style: chr2-179446808-T-C.
Other names: c.61365A>G, p.Glu20455= (NM_001256850.1); c.39093A>G, p.Glu13031= (NM_003319.4); c.58584A>G, p.Glu19528= (NM_133378.4); c.39468A>G, p.Glu13156= (NM_133432.3); c.39669A>G, p.Glu13223= (NM_133437.4).
Identifiers: ClinVar variation 388621 (VCV000388621.14), dbSNP rs368297582, ClinGen allele CA1991546.